The following is an entry in ClinVar:

ClinVar aggregate classification (germline): Uncertain significance (1 of 4 stars; one submission).

Submission:

Mayo Clinic Laboratories, Mayo Clinic
Classification: Uncertain significance. Last evaluated: 2023-07-17. Review status: criteria provided, single submitter. Criteria: ACMG Guidelines, 2015. Collection method: clinical testing. Allele origin: germline. Observed: 1 variant allele.
Comment: PM2_moderate

NM_182961.4(SYNE1):c.3956_3957delinsAA (p.Ser1319Lys)

Gene: SYNE1 (spectrin repeat containing nuclear envelope protein 1; minus strand). Cytogenetic location: 6q25.2.
Variant type: Indel.
Coding change: c.3956_3957delinsAA on transcript NM_182961.4 (MANE Select); coding-DNA positions 3956 to 3957, GC replaced by AA.
Protein change: p.Ser1319Lys; replaces serine 1319 with lysine.
Molecular consequence: missense variant.
Genome position (GRCh38, 1-based): chr6:152,442,126-152,442,127, GC replaced by TT on the plus strand (GC replaced by AA on the coding strand, the reverse complement: SYNE1 is on the minus strand). VCF-style: chr6-152442126-GC-TT. GRCh37 (hg19) VCF-style: chr6-152763261-GC-TT.
Other names: p.Ser1326Lys; c.3977_3978delGCinsAA, p.Ser1326Lys (NM_033071.3); c.3977_3978delinsAA, p.Ser1326Lys (NM_033071.5); short protein forms S1319K, S1326K.
Identifiers: ClinVar variation 3379727 (VCV003379727.1).